The following is an entry in ClinVar:

NM_000057.4(BLM):c.2092T>C (p.Cys698Arg)

Gene: BLM (BLM RecQ like helicase; plus strand). Cytogenetic location: 15q26.1.
Variant type: single nucleotide variant.
Coding change: c.2092T>C on transcript NM_000057.4 (MANE Select); coding-DNA position 2092, T replaced by C.
Protein change: p.Cys698Arg; replaces cysteine 698 with arginine.
Molecular consequence: missense variant.
Genome position (GRCh38, 1-based): chr15:90,765,313, T>C. VCF-style: chr15-90765313-T-C. GRCh37 (hg19) VCF-style: chr15-91308543-T-C.
Other names: c.2092T>C, p.Cys698Arg (NM_001287246.2, NM_001287247.2); c.967T>C, p.Cys323Arg (NM_001287248.2); short protein forms C323R, C698R.
Identifiers: ClinVar variation 3224163 (VCV003224163.1), dbSNP rs2505441081, ClinGen allele CA393844543.

ClinVar aggregate classification (germline): Uncertain significance (1 of 4 stars; one submission).

Conditions:
Hereditary cancer-predisposing syndrome. Also called: Tumor predisposition; Hereditary neoplastic syndrome; Hereditary Cancer Syndrome; Neoplastic Syndromes, Hereditary. Identifiers: Orphanet 140162, MedGen C0027672, MeSH D009386, MONDO:0015356.

Submission:

Ambry Genetics
Classification: Uncertain significance for Hereditary cancer-predisposing syndrome. Last evaluated: 2024-01-24. Review status: criteria provided, single submitter. Criteria: Ambry Variant Classification Scheme 2023. Collection method: clinical testing. Allele origin: germline.
Comment: The p.C698R variant (also known as c.2092T>C), located in coding exon 8 of the BLM gene, results from a T to C substitution at nucleotide position 2092. The cysteine at codon 698 is replaced by arginine, an amino acid with highly dissimilar properties. This amino acid position is conserved. In addition, this alteration is predicted to be deleterious by in silico analysis. Based on the available evidence, the clinical significance of this alteration remains unclear.